The following is an entry in ClinVar:

NM_001367624.2(ZNF469):c.3389C>G (p.Pro1130Arg)

Gene: ZNF469 (zinc finger protein 469; plus strand). Cytogenetic location: 16q24.2.
Variant type: single nucleotide variant.
Coding change: c.3389C>G on transcript NM_001367624.2 (MANE Select); coding-DNA position 3389, C replaced by G.
Protein change: p.Pro1130Arg; replaces proline 1130 with arginine.
Molecular consequence: missense variant.
Genome position (GRCh38, 1-based): chr16:88,430,859, C>G. VCF-style: chr16-88430859-C-G. GRCh37 (hg19) VCF-style: chr16-88497267-C-G.
Other names: NM_001127464.1:c.3305C>G; short protein forms P1130R.
Identifiers: ClinVar variation 1314166 (VCV001314166.2), dbSNP rs2142303951, ClinGen allele CA397083784.

ClinVar aggregate classification (germline): Uncertain significance (1 of 4 stars; one submission).

Submission:

GeneDx
Classification: Uncertain significance. Last evaluated: 2021-03-01. Review status: criteria provided, single submitter. Criteria: GeneDx Variant Classification Process June 2021. Collection method: clinical testing. Allele origin: germline. Affected: yes.
Comment: Not observed in large population cohorts (Lek et al., 2016); In silico analysis supports that this missense variant does not alter protein structure/function; Has not been previously published as pathogenic or benign to our knowledge